The following is an entry in ClinVar:

NM_001042492.3(NF1):c.1677T>A (p.Asp559Glu)

Gene: NF1 (neurofibromin 1; plus strand). Cytogenetic location: 17q11.2.
Variant type: single nucleotide variant.
Coding change: c.1677T>A on transcript NM_001042492.3 (MANE Select); coding-DNA position 1677, T replaced by A.
Protein change: p.Asp559Glu; replaces aspartic acid 559 with glutamic acid.
Molecular consequence: missense variant.
Genome position (GRCh38, 1-based): chr17:31,221,885, T>A. VCF-style: chr17-31221885-T-A. GRCh37 (hg19) VCF-style: chr17-29548903-T-A.
Other names: c.1677T>A, p.Asp559Glu (NM_000267.4, NM_001128147.3); short protein forms D559E.
Identifiers: ClinVar variation 999457 (VCV000999457.5), dbSNP rs1209447028, ClinGen allele CA399002283.

ClinVar aggregate classification (germline): Uncertain significance (1 of 4 stars; one submission).

Conditions:
Neurofibromatosis, type 1 (NF1). Also called: Neurofibromatosis, type I; VON RECKLINGHAUSEN DISEASE; NEUROFIBROMATOSIS, TYPE I, SOMATIC; Peripheral type neurofibromatosis. Identifiers: Orphanet 636, MedGen C0027831, MONDO:0018975, OMIM 162200. Disease mechanism: loss of function.

Submission:

Labcorp Genetics (formerly Invitae), Labcorp
Classification: Uncertain significance for Neurofibromatosis, type 1. Last evaluated: 2022-03-08. Review status: criteria provided, single submitter. Criteria: Invitae Variant Classification Sherloc (09022015). Collection method: clinical testing. Allele origin: germline.
Comment: In summary, the available evidence is currently insufficient to determine the role of this variant in disease. Therefore, it has been classified as a Variant of Uncertain Significance. Advanced modeling of protein sequence and biophysical properties (such as structural, functional, and spatial information, amino acid conservation, physicochemical variation, residue mobility, and thermodynamic stability) performed at Invitae indicates that this missense variant is not expected to disrupt NF1 protein function. ClinVar contains an entry for this variant (Variation ID: 999457). This variant has not been reported in the literature in individuals affected with NF1-related conditions. This variant is not present in population databases (gnomAD no frequency). This sequence change replaces aspartic acid, which is acidic and polar, with glutamic acid, which is acidic and polar, at codon 559 of the NF1 protein (p.Asp559Glu).